The following is an entry in ClinVar:

ClinVar aggregate classification (germline): Uncertain significance (1 of 4 stars; one submission).

gnomAD v4.1: 1 of 1,613,790 alleles (0.000062%); highest among the groups gnomAD compares: Non-Finnish European, 0.000085%; no homozygotes.

Submission:

Labcorp Genetics (formerly Invitae), Labcorp
Classification: Uncertain significance. Last evaluated: 2024-01-31. Review status: criteria provided, single submitter. Criteria: Invitae Variant Classification Sherloc (09022015). Collection method: clinical testing. Allele origin: germline.
Comment: This sequence change replaces alanine, which is neutral and non-polar, with valine, which is neutral and non-polar, at codon 366 of the TOPORS protein (p.Ala366Val). This variant is not present in population databases (gnomAD no frequency). This variant has not been reported in the literature in individuals affected with TOPORS-related conditions. An algorithm developed to predict the effect of missense changes on protein structure and function (PolyPhen-2) suggests that this variant is likely to be tolerated. In summary, the available evidence is currently insufficient to determine the role of this variant in disease. Therefore, it has been classified as a Variant of Uncertain Significance.

NM_005802.5(TOPORS):c.1097C>T (p.Ala366Val)

Gene: TOPORS (TOP1 binding arginine/serine rich protein, E3 ubiquitin ligase; minus strand). Cytogenetic location: 9p21.1.
Variant type: single nucleotide variant.
Coding change: c.1097C>T on transcript NM_005802.5 (MANE Select); coding-DNA position 1097, C replaced by T.
Protein change: p.Ala366Val; replaces alanine 366 with valine.
Molecular consequence: missense variant.
Genome position (GRCh38, 1-based): chr9:32,543,428, G>A on the plus strand (C>T on the coding strand, the complement: TOPORS is on the minus strand). VCF-style: chr9-32543428-G-A. GRCh37 (hg19) VCF-style: chr9-32543426-G-A.
Other names: c.902C>T, p.Ala301Val (NM_001195622.2); short protein forms A301V, A366V.
Identifiers: ClinVar variation 3637943 (VCV003637943.2).
Genomic context (GRCh38, chr9:32,543,428, plus strand): 5'-TGGCTGCCTTCTTCGTATGAAGGAGCAGGGCAATCATAATTGGCATGCTGGTCAAAGGCT[G>A]CCATGTTAAAAGGAGATCGGGCAAAACTGATAAATTCATGTATAAAATGCTCAGTTCGAT-3'
Protein context (NP_005793.2, residues 356-376): ISFARSPFNM[Ala366Val]AFDQHANYDC